The following is an entry in ClinVar:

NM_001330260.2(SCN8A):c.3524A>G (p.Asn1175Ser)

Gene: SCN8A (sodium voltage-gated channel alpha subunit 8; plus strand). Cytogenetic location: 12q13.13.
Variant type: single nucleotide variant.
Coding change: c.3524A>G on transcript NM_001330260.2 (MANE Select); coding-DNA position 3524, A replaced by G.
Protein change: p.Asn1175Ser; replaces asparagine 1175 with serine.
Molecular consequence: missense variant.
Genome position (GRCh38, 1-based): chr12:51,770,562, A>G. VCF-style: chr12-51770562-A-G. GRCh37 (hg19) VCF-style: chr12-52164346-A-G.
Other names: c.3524A>G, p.Asn1175Ser (NM_001177984.3, NM_001369788.1, NM_014191.4); short protein forms N1175S.
Identifiers: ClinVar variation 1425745 (VCV001425745.7), dbSNP rs1592152427, ClinGen allele CA384896116.

ClinVar aggregate classification (germline): Uncertain significance (1 of 4 stars; one submission).

Conditions:
Early-infantile DEE. Also called: Ohtahara syndrome; Early infantile epileptic encephalopathy with suppression bursts; Early infantile epileptic encephalopathy. Identifiers: Orphanet 1934, MedGen C0393706, MONDO:0800491.

Allele frequency attached by ClinVar (database versions not stated): gnomAD 0.00001.
gnomAD v4.1: 2 of 1,612,664 alleles (0.00012%); highest among the groups gnomAD compares: Non-Finnish European, 0.00017%; no homozygotes.

Submission:

Labcorp Genetics (formerly Invitae), Labcorp
Classification: Uncertain significance for Early-infantile DEE. Last evaluated: 2022-10-25. Review status: criteria provided, single submitter. Criteria: Invitae Variant Classification Sherloc (09022015). Collection method: clinical testing. Allele origin: germline.
Comment: In summary, the available evidence is currently insufficient to determine the role of this variant in disease. Therefore, it has been classified as a Variant of Uncertain Significance. Advanced modeling of protein sequence and biophysical properties (such as structural, functional, and spatial information, amino acid conservation, physicochemical variation, residue mobility, and thermodynamic stability) performed at Invitae indicates that this missense variant is not expected to disrupt SCN8A protein function. ClinVar contains an entry for this variant (Variation ID: 1425745). This variant has not been reported in the literature in individuals affected with SCN8A-related conditions. This variant is not present in population databases (gnomAD no frequency). This sequence change replaces asparagine, which is neutral and polar, with serine, which is neutral and polar, at codon 1175 of the SCN8A protein (p.Asn1175Ser).